The following is an entry in ClinVar:

ClinVar aggregate classification (germline): Uncertain significance (1 of 4 stars; one submission).

Conditions:
Desmin-related myofibrillar myopathy (MFM1). Also called: MYOFIBRILLAR MYOPATHY WITH ARRHYTHMOGENIC RIGHT VENTRICULAR CARDIOMYOPATHY; DESMIN-RELATED MYOPATHY WITH ARRHYTHMOGENIC RIGHT VENTRICULAR CARDIOMYOPATHY; Desminopathy; Desmin related myopathy (former name); Desmin storage myopathy (former name); Myofibrillar myopathy 1. Identifiers: Orphanet 363543, Orphanet 98909, MedGen C1832370, MONDO:0011076, OMIM 601419.

gnomAD v4.1: 2 of 1,562,864 alleles (0.00013%); highest among the groups gnomAD compares: Non-Finnish European, 0.00017%; no homozygotes.

Submission:

Labcorp Genetics (formerly Invitae), Labcorp
Classification: Uncertain significance for Desmin-related myofibrillar myopathy. Last evaluated: 2023-04-14. Review status: criteria provided, single submitter. Criteria: Invitae Variant Classification Sherloc (09022015). Collection method: clinical testing. Allele origin: germline.
Comment: In summary, the available evidence is currently insufficient to determine the role of this variant in disease. Therefore, it has been classified as a Variant of Uncertain Significance. Advanced modeling of protein sequence and biophysical properties (such as structural, functional, and spatial information, amino acid conservation, physicochemical variation, residue mobility, and thermodynamic stability) has been performed at Invitae for this missense variant, however the output from this modeling did not meet the statistical confidence thresholds required to predict the impact of this variant on DES protein function. This variant has not been reported in the literature in individuals affected with DES-related conditions. This variant is not present in population databases (gnomAD no frequency). This sequence change replaces glutamic acid, which is acidic and polar, with glutamine, which is neutral and polar, at codon 147 of the DES protein (p.Glu147Gln).

NM_001927.4(DES):c.439G>C (p.Glu147Gln)

Gene: DES (desmin; plus strand). Cytogenetic location: 2q35.
Variant type: single nucleotide variant.
Coding change: c.439G>C on transcript NM_001927.4 (MANE Select); coding-DNA position 439, G replaced by C.
Protein change: p.Glu147Gln; replaces glutamic acid 147 with glutamine.
Molecular consequence: missense variant.
Genome position (GRCh38, 1-based): chr2:219,418,901, G>C. VCF-style: chr2-219418901-G-C. GRCh37 (hg19) VCF-style: chr2-220283623-G-C.
Other names: c.439G>C, p.Glu147Gln (NM_001382708.1, NM_001382709.1, NM_001382710.1 and 3 more transcripts); short protein forms E147Q.
Identifiers: ClinVar variation 2946705 (VCV002946705.3), dbSNP rs1954376718, ClinGen allele CA350686214.